The following is an entry in ClinVar:

ClinVar aggregate classification (germline): Likely benign (1 of 4 stars; one submission).

Allele frequency attached by ClinVar (database versions not stated): gnomAD 0.00003; TOPMed 0.00001 and below 0.00001.

Submission:

GeneDx
Classification: Likely benign. Last evaluated: 2015-11-19. Review status: criteria provided, single submitter. Criteria: GeneDx Variant Classification (06012015). Collection method: clinical testing. Allele origin: germline. Affected: yes.
Comment: This variant is considered likely benign or benign based on one or more of the following criteria: it is a conservative change, it occurs at a poorly conserved position in the protein, it is predicted to be benign by multiple in silico algorithms, and/or has population frequency not consistent with disease.

NM_133433.4(NIPBL):c.6764-4G>C

Gene: NIPBL (NIPBL cohesin loading factor; plus strand). Cytogenetic location: 5p13.2.
Variant type: single nucleotide variant.
Coding change: c.6764-4G>C on transcript NM_133433.4 (MANE Select); 4 bases into the intron before coding-DNA position 6764, G replaced by C.
Molecular consequence: intron variant.
Genome position (GRCh38, 1-based): chr5:37,049,107, G>C. VCF-style: chr5-37049107-G-C. GRCh37 (hg19) VCF-style: chr5-37049209-G-C.
Other names: c.6764-4G>C (NM_015384.5).
Identifiers: ClinVar variation 381889 (VCV000381889.1), dbSNP rs757590127, ClinGen allele CA16604904.